The following is an entry in ClinVar:

NM_001330078.2(NRXN1):c.772+1140G>A

Gene: NRXN1 (neurexin 1; minus strand). Cytogenetic location: 2p16.3.
Variant type: single nucleotide variant.
Coding change: c.772+1140G>A on transcript NM_001330078.2 (MANE Select); 1140 bases into the intron after coding-DNA position 772, G replaced by A.
Molecular consequence: intron variant.
Genome position (GRCh38, 1-based): chr2:51,026,362, C>T on the plus strand (G>A on the coding strand, the complement: NRXN1 is on the minus strand). VCF-style: chr2-51026362-C-T. GRCh37 (hg19) VCF-style: chr2-51253500-C-T.
Other names: c.772+1140G>A (NM_001330096.2, NM_001330087.2, NM_001330083.2 and 14 more transcripts); c.871+9G>A (NM_001135659.3).
Identifiers: ClinVar variation 129825 (VCV000129825.26), dbSNP rs61658382, ClinGen allele CA288976.

ClinVar aggregate classification (germline): Benign/Likely benign. Review status: criteria provided, multiple submitters, no conflicts (2 of 4 stars). 10 submissions from 10 submitters: Benign (6); Likely benign (3). 1 of the submissions does not count toward it. Last evaluated 2026-02-03.

Conditions:
Pitt-Hopkins-like syndrome 2 (PTHSL2). Identifiers: Orphanet 221150, Orphanet 600663, MedGen C3280479, MONDO:0013690, OMIM 614325.

Allele frequency attached by ClinVar (database versions not stated): gnomAD exomes 0.00091 and 0.00198; ExAC 0.00495; ESP Exome Variant Server 0.00728; gnomAD 0.00837; TOPMed 0.00908; 1000 Genomes Project 0.01078; 1000 Genomes Project 30x 0.01124.
gnomAD v4.1: 2,655 of 1,554,786 alleles (0.17%); highest among the groups gnomAD compares: African/African-American, 3.1%; 37 homozygotes.

Submissions (10):

Labcorp Genetics (formerly Invitae), Labcorp
Classification: Benign for Pitt-Hopkins-like syndrome 2. Last evaluated: 2026-02-03. Review status: criteria provided, single submitter. Criteria: Invitae Variant Classification Sherloc (09022015). Collection method: clinical testing. Allele origin: germline.

Athena Diagnostics
Classification: Benign. Last evaluated: 2024-12-30. Review status: criteria provided, single submitter. Criteria: Athena Diagnostics Criteria. Collection method: clinical testing. Allele origin: unknown.
Comment: The frequency of this variant in the general population is higher than would generally be expected for pathogenic variants in this gene. Computational tools yielded predictions that this variant is unlikely to have an effect on normal RNA splicing. This nucleotide position exhibits low evolutionary conservation.

Blueprint Genetics
Classification: Likely benign. Last evaluated: 2024-11-26. Review status: criteria provided, single submitter. Criteria: ACMG Guidelines, 2015. Collection method: clinical testing. Allele origin: germline.

ARUP Laboratories, Molecular Genetics and Genomics, ARUP Laboratories
Classification: Benign. Last evaluated: 2024-06-06. Review status: criteria provided, single submitter. Criteria: ARUP Molecular Germline Variant Investigation Process 2024. Collection method: clinical testing. Allele origin: germline.

Dubai Health Genomic Medicine Center, Dubai Health
Classification: Benign. Last evaluated: 2020-01-02. Review status: criteria provided, single submitter. Criteria: ACMG Guidelines, 2015. Collection method: clinical testing. Allele origin: germline. Affected: yes.

Illumina Laboratory Services, Illumina
Classification: Benign for Pitt-Hopkins-like syndrome 2. Last evaluated: 2018-01-13. Review status: criteria provided, single submitter. Criteria: ICSL Variant Classification Criteria 13 December 2019. Collection method: clinical testing. Allele origin: germline.
Comment: This variant was observed in the ICSL laboratory as part of a predisposition screen in an ostensibly healthy population. It had not been previously curated by ICSL or reported in the Human Gene Mutation Database (HGMD: prior to June 1st, 2018), and was therefore a candidate for classification through an automated scoring system. Utilizing variant allele frequency, disease prevalence and penetrance estimates, and inheritance mode, an automated score was calculated to assess if this variant is too frequent to cause the disease. Based on the score and internal cut-off values, a variant classified as benign is not then subjected to further curation. The score for this variant resulted in a classification of benign for this disease.

Center for Pediatric Genomic Medicine, Children's Mercy Hospital and Clinics
Classification: Likely benign. Last evaluated: 2017-04-24. Review status: criteria provided, single submitter. Criteria: ACMG Guidelines, 2015. Collection method: clinical testing. Allele origin: germline.

GeneDx
Classification: Benign. Last evaluated: 2013-01-25. Review status: criteria provided, single submitter. Criteria: GeneDx Variant Classification (06012015). Collection method: clinical testing. Allele origin: germline. Affected: yes.
Comment: This variant is considered likely benign or benign based on one or more of the following criteria: it is a conservative change, it occurs at a poorly conserved position in the protein, it is predicted to be benign by multiple in silico algorithms, and/or has population frequency not consistent with disease.

Breakthrough Genomics
Classification: Likely benign. Review status: criteria provided, single submitter. Criteria: ACMG Guidelines, 2015. Collection method: not provided. Allele origin: germline. Inheritance: Autosomal recessive inheritance. Affected: yes.

Genetic Services Laboratory, University of Chicago
Classification: Likely benign for AllHighlyPenetrant. Review status: no assertion criteria provided. Collection method: clinical testing. Allele origin: germline. Inheritance: Autosomal recessive inheritance. Not counted in ClinVar's aggregate classification.
Comment: Likely benign based on allele frequency in 1000 Genomes Project or ESP global frequency and its presence in a patient with a rare or unrelated disease phenotype. NOT Sanger confirmed.